The following is an entry in ClinVar:

ClinVar aggregate classification (germline): Benign. Review status: criteria provided, single submitter (1 of 4 stars). 2 submissions from 2 submitters: Benign (1). 1 of the submissions does not count toward it. Last evaluated 2024-05-01.

Conditions:
MYCBP2-related disorder. Also called: MYCBP2-related condition.

Allele frequency attached by ClinVar (database versions not stated): ESP Exome Variant Server 0.00100; gnomAD 0.00128; 1000 Genomes Project 0.00140; TOPMed 0.00143; 1000 Genomes Project 30x 0.00156.
gnomAD v4.1: 1,953 of 1,613,496 alleles (0.12%); highest among the groups gnomAD compares: South Asian, 0.19%; 6 homozygotes.

Submissions (2):

CeGaT Center for Human Genetics Tuebingen
Classification: Benign. Last evaluated: 2024-05-01. Review status: criteria provided, single submitter. Criteria: CeGaT Center For Human Genetics Tuebingen Variant Classification Criteria Version 2. Collection method: clinical testing. Allele origin: germline. Affected: yes. Observed: 1 variant allele.
Comment: MYCBP2: BP4, BS1, BS2

PreventionGenetics, part of Exact Sciences
Classification: Likely benign for MYCBP2-related condition. Last evaluated: 2022-05-10. Review status: no assertion criteria provided. Collection method: clinical testing. Allele origin: germline. Not counted in ClinVar's aggregate classification.
Comment: This variant is classified as likely benign based on ACMG/AMP sequence variant interpretation guidelines (Richards et al. 2015 PMID: 25741868, with internal and published modifications).

NM_015057.5(MYCBP2):c.8522G>A (p.Arg2841His)

Gene: MYCBP2 (MYC binding protein 2; minus strand). Cytogenetic location: 13q22.3.
Variant type: single nucleotide variant.
Coding change: c.8522G>A on transcript NM_015057.5 (MANE Select); coding-DNA position 8522, G replaced by A.
Protein change: p.Arg2841His; replaces arginine 2841 with histidine.
Molecular consequence: missense variant.
Genome position (GRCh38, 1-based): chr13:77,098,632, C>T on the plus strand (G>A on the coding strand, the complement: MYCBP2 is on the minus strand). VCF-style: chr13-77098632-C-T. GRCh37 (hg19) VCF-style: chr13-77672767-C-T.
Other names: short protein forms R2841H.
Identifiers: ClinVar variation 3039149 (VCV003039149.20), dbSNP rs142807127, ClinGen allele CA7008650.